The following is an entry in ClinVar:

NM_022455.5(NSD1):c.5639G>A (p.Gly1880Asp)

Gene: NSD1 (nuclear receptor binding SET domain protein 1; plus strand). Cytogenetic location: 5q35.3.
Variant type: single nucleotide variant.
Coding change: c.5639G>A on transcript NM_022455.5 (MANE Select); coding-DNA position 5639, G replaced by A.
Protein change: p.Gly1880Asp; replaces glycine 1880 with aspartic acid.
Molecular consequence: missense variant.
Genome position (GRCh38, 1-based): chr5:177,280,581, G>A. VCF-style: chr5-177280581-G-A. GRCh37 (hg19) VCF-style: chr5-176707582-G-A.
Other names: c.4766G>A, p.Gly1589Asp (NM_001365684.2, NM_001409308.1, NM_001409309.1 and 1 more transcripts); c.5639G>A, p.Gly1880Asp (NM_001409301.1, NM_001409302.1, NM_001409303.1); c.5219G>A, p.Gly1740Asp (NM_001409304.1); c.4886G>A, p.Gly1629Asp (NM_001409305.1); c.4877G>A, p.Gly1626Asp (NM_001409306.1, NM_001409307.1); short protein forms G1880D, G1611D, G1629D, G1740D, G1589D, G1626D.
Identifiers: ClinVar variation 521770 (VCV000521770.4), dbSNP rs768219323, ClinGen allele CA3577881.

ClinVar aggregate classification (germline): Uncertain significance (1 of 4 stars; one submission).

Conditions:
Inborn genetic diseases. Identifiers: MedGen C0950123, MeSH D030342.

Allele frequency attached by ClinVar (database versions not stated): gnomAD exomes below 0.00001; ExAC 0.00001.
gnomAD v4.1: 1 of 1,614,186 alleles (0.000062%); highest among the groups gnomAD compares: Non-Finnish European, 0.000085%; no homozygotes.

Submission:

Ambry Genetics
Classification: Uncertain significance for Inborn genetic diseases. Last evaluated: 2023-10-18. Review status: criteria provided, single submitter. Criteria: Ambry Variant Classification Scheme 2023. Collection method: clinical testing. Allele origin: germline.
Comment: The c.5639G>A (p.G1880D) alteration is located in exon 18 (coding exon 17) of the NSD1 gene. This alteration results from a G to A substitution at nucleotide position 5639, causing the glycine (G) at amino acid position 1880 to be replaced by an aspartic acid (D). Based on data from gnomAD, the A allele has an overall frequency of <0.001% (1/250836) total alleles studied. The highest observed frequency was 0.001% (1/113118) of European (non-Finnish) alleles. This amino acid position is highly conserved in available vertebrate species. This missense alteration is located in a region that has a low rate of benign missense variation (Lek, 2016; Firth, 2009). This alteration is predicted to be deleterious by in silico analysis. Based on insufficient or conflicting evidence, the clinical significance of this alteration remains unclear.